The following is an entry in ClinVar:

NM_000166.6(GJB1):c.265C>G (p.Leu89Val)

Gene: GJB1 (gap junction protein beta 1; plus strand). Cytogenetic location: Xq13.1.
Variant type: single nucleotide variant.
Coding change: c.265C>G on transcript NM_000166.6 (MANE Select); coding-DNA position 265, C replaced by G.
Protein change: p.Leu89Val; replaces leucine 89 with valine.
Molecular consequence: missense variant.
Genome position (GRCh38, 1-based): chrX:71,223,972, C>G. VCF-style: chrX-71223972-C-G. GRCh37 (hg19) VCF-style: chrX-70443822-C-G.
Other names: c.265C>G, p.Leu89Val (NM_001097642.3); short protein forms L89V.
Identifiers: ClinVar variation 642558 (VCV000642558.44), dbSNP rs1602349029, ClinGen allele CA413501704.

ClinVar aggregate classification (germline): Pathogenic/Likely pathogenic. Review status: criteria provided, multiple submitters, no conflicts (2 of 4 stars). 2 submissions from 2 submitters: Pathogenic (1); Likely pathogenic (1). Last evaluated 2024-01-28.

Conditions:
Charcot-Marie-Tooth Neuropathy X. Identifiers: MedGen CN118851.

Submissions (2):

Labcorp Genetics (formerly Invitae), Labcorp
Classification: Pathogenic for Charcot-Marie-Tooth Neuropathy X. Last evaluated: 2024-01-28. Review status: criteria provided, single submitter. Criteria: Invitae Variant Classification Sherloc (09022015). Collection method: clinical testing. Allele origin: germline.
Comment: This sequence change replaces leucine, which is neutral and non-polar, with valine, which is neutral and non-polar, at codon 89 of the GJB1 protein (p.Leu89Val). This variant is not present in population databases (gnomAD no frequency). This missense change has been observed in individuals with clinical features of Charcot-Marie-Tooth disease (PMID: 26274329, 27544631; Invitae). ClinVar contains an entry for this variant (Variation ID: 642558). Advanced modeling of protein sequence and biophysical properties (such as structural, functional, and spatial information, amino acid conservation, physicochemical variation, residue mobility, and thermodynamic stability) performed at Invitae indicates that this missense variant is expected to disrupt GJB1 protein function with a positive predictive value of 80%. This variant disrupts the p.Leu89 amino acid residue in GJB1. Other variant(s) that disrupt this residue have been determined to be pathogenic (PMID: 9099841, 12457340, 17714866, 26274329). This suggests that this residue is clinically significant, and that variants that disrupt this residue are likely to be disease-causing. For these reasons, this variant has been classified as Pathogenic.

CeGaT Center for Human Genetics Tuebingen
Classification: Likely pathogenic. Last evaluated: 2021-05-01. Review status: criteria provided, single submitter. Criteria: CeGaT Center For Human Genetics Tuebingen Variant Classification Criteria Version 2. Collection method: clinical testing. Allele origin: germline. Affected: yes. Observed: 1 variant allele.

Literature cited by the submitters: PubMed 26274329 (cited by Labcorp Genetics (formerly Invitae), Labcorp); PubMed 27544631 (cited by Labcorp Genetics (formerly Invitae), Labcorp); PubMed 9099841 (cited by Labcorp Genetics (formerly Invitae), Labcorp); PubMed 12457340 (cited by Labcorp Genetics (formerly Invitae), Labcorp); PubMed 17714866 (cited by Labcorp Genetics (formerly Invitae), Labcorp).